The following is an entry in ClinVar:

NC_000023.10:g.(?_32583799)_(32834777_?)del

Gene: DMD (dystrophin; minus strand). Cytogenetic location: Xp21.1.
Variant type: Deletion.
Identifiers: ClinVar variation 2424929 (VCV002424929.3).

ClinVar aggregate classification (germline): Pathogenic (1 of 4 stars; one submission).

Conditions:
Duchenne muscular dystrophy (DMD). Also called: Duchenne Muscular Dystrophy (DMD); MUSCULAR DYSTROPHY, PSEUDOHYPERTROPHIC PROGRESSIVE, DUCHENNE TYPE. Identifiers: Orphanet 98896, MedGen C0013264, MONDO:0010679, OMIM 310200.

Submission:

Labcorp Genetics (formerly Invitae), Labcorp
Classification: Pathogenic for Duchenne muscular dystrophy. Last evaluated: 2023-11-27. Review status: criteria provided, single submitter. Criteria: Invitae Variant Classification Sherloc (09022015). Collection method: clinical testing. Allele origin: germline.
Comment: This variant is a gross deletion of the genomic region encompassing exon(s) 6-16 of the DMD gene. This variant would be expected to be in-frame, preserving the integrity of the reading frame. A similar copy number variant has been observed in individual(s) with Duchenne muscular dystrophy (PMID: 19907931). The region of the DMD gene that includes exon(s) 14 has been determined to be clinically significant (PMID: 17259292, 19040728, 19907931). Therefore, deletions that encompass that region are likely to be disease-causing. For these reasons, this variant has been classified as Pathogenic.

Literature cited by the submitters: PubMed 19907931; PubMed 17259292; PubMed 19040728.